The following is an entry in ClinVar:

ClinVar aggregate classification (germline): Uncertain significance. Review status: criteria provided, multiple submitters, no conflicts (2 of 4 stars). 2 submissions from 2 submitters: Uncertain significance (2). Last evaluated 2024-04-23.

Conditions:
Familial hypokalemia-hypomagnesemia (GTLMNS). Also called: HYPOMAGNESEMIA-HYPOKALEMIA, PRIMARY RENOTUBULAR, WITH HYPOCALCIURIA; POTASSIUM AND MAGNESIUM DEPLETION; gitelman syndrome. Identifiers: Orphanet 358, MedGen C0268450, MONDO:0009904, OMIM 263800.

Allele frequency attached by ClinVar (database versions not stated): gnomAD exomes 0.00002; ExAC 0.00001; gnomAD 0.00001; TOPMed 0.00002.
gnomAD v4.1: 29 of 1,613,750 alleles (0.0018%); highest among the groups gnomAD compares: South Asian, 0.0033%; no homozygotes.

Submissions (2):

Fulgent Genetics
Classification: Uncertain significance for Familial hypokalemia-hypomagnesemia. Last evaluated: 2024-04-23. Review status: criteria provided, single submitter. Criteria: ACMG Guidelines, 2015. Collection method: clinical testing. Allele origin: germline.

Women's Health and Genetics/Laboratory Corporation of America, LabCorp
Classification: Uncertain significance. Last evaluated: 2023-05-09. Review status: criteria provided, single submitter. Criteria: LabCorp Variant Classification Summary - May 2015. Collection method: clinical testing. Allele origin: germline.
Comment: Variant summary: SLC12A3 c.1373C>T (p.Thr458Met) results in a non-conservative amino acid change located in the amino acid permease/ SLC12A domain (IPR004841) of the encoded protein sequence. Three of five in-silico tools predict a damaging effect of the variant on protein function. The variant allele was found at a frequency of 1.2e-05 in 251194 control chromosomes (gnomAD). The available data on variant occurrences in the general population are insufficient to allow any conclusion about variant significance. c.1373C>T has been reported in the literature in the compound heterozygous state in an individual affected with Familial Hypokalemia-Hypomagnesemia (Gitelman syndrome) (Palazzo_2022). This report does not provide unequivocal conclusions about association of the variant with Familial Hypokalemia-Hypomagnesemia. To our knowledge, no experimental evidence demonstrating an impact on protein function has been reported. The following publication has been ascertained in the context of this evaluation (PMID: 35628451). No clinical diagnostic laboratories have submitted clinical-significance assessments for this variant to ClinVar after 2014. Based on the evidence outlined above, the variant was classified as uncertain significance.

Literature cited by the submitters: PubMed 35628451 (cited by Women's Health and Genetics/Laboratory Corporation of America, LabCorp).

NM_001126108.2(SLC12A3):c.1373C>T (p.Thr458Met)

Gene: SLC12A3 (solute carrier family 12 member 3; plus strand). Cytogenetic location: 16q13.
Variant type: single nucleotide variant.
Coding change: c.1373C>T on transcript NM_001126108.2 (MANE Select); coding-DNA position 1373, C replaced by T.
Protein change: p.Thr458Met; replaces threonine 458 with methionine.
Molecular consequence: missense variant.
Genome position (GRCh38, 1-based): chr16:56,879,579, C>T. VCF-style: chr16-56879579-C-T. GRCh37 (hg19) VCF-style: chr16-56913491-C-T.
Other names: c.1373C>T, p.Thr458Met (NM_000339.3); c.1370C>T, p.Thr457Met (NM_001126107.2, NM_001410896.1); short protein forms T457M, T458M.
Identifiers: ClinVar variation 2506184 (VCV002506184.2), dbSNP rs200364136, ClinGen allele CA8069448.